The following is an entry in ClinVar:

ClinVar aggregate classification (germline): Uncertain significance. Review status: criteria provided, multiple submitters, no conflicts (2 of 4 stars). 2 submissions from 2 submitters: Uncertain significance (2). Last evaluated 2023-03-23.

Allele frequency attached by ClinVar (database versions not stated): TOPMed below 0.00001; gnomAD 0.00001; gnomAD exomes 0.00001 and 0.00002; ExAC 0.00002.
gnomAD v4.1: 21 of 1,613,182 alleles (0.0013%); highest among the groups gnomAD compares: Middle Eastern, 0.016%; no homozygotes.

Submissions (2):

Blueprint Genetics
Classification: Uncertain significance. Last evaluated: 2023-03-23. Review status: criteria provided, single submitter. Criteria: ACMG Guidelines, 2015. Collection method: clinical testing. Allele origin: germline.

Labcorp Genetics (formerly Invitae), Labcorp
Classification: Uncertain significance. Last evaluated: 2022-06-20. Review status: criteria provided, single submitter. Criteria: Invitae Variant Classification Sherloc (09022015). Collection method: clinical testing. Allele origin: germline.
Comment: This sequence change replaces arginine, which is basic and polar, with tryptophan, which is neutral and slightly polar, at codon 551 of the RUSC2 protein (p.Arg551Trp). This variant is present in population databases (rs766067787, gnomAD 0.004%). This variant has not been reported in the literature in individuals affected with RUSC2-related conditions. Algorithms developed to predict the effect of missense changes on protein structure and function (SIFT, PolyPhen-2, Align-GVGD) all suggest that this variant is likely to be disruptive. In summary, the available evidence is currently insufficient to determine the role of this variant in disease. Therefore, it has been classified as a Variant of Uncertain Significance.

NM_014806.5(RUSC2):c.1651C>T (p.Arg551Trp)

Gene: RUSC2 (RUN and SH3 domain containing 2; plus strand). Cytogenetic location: 9p13.3.
Variant type: single nucleotide variant.
Coding change: c.1651C>T on transcript NM_014806.5 (MANE Select); coding-DNA position 1651, C replaced by T.
Protein change: p.Arg551Trp; replaces arginine 551 with tryptophan.
Molecular consequence: missense variant. On other transcripts: non-coding transcript variant (1), intron variant (1).
Genome position (GRCh38, 1-based): chr9:35,548,172, C>T. VCF-style: chr9-35548172-C-T. GRCh37 (hg19) VCF-style: chr9-35548169-C-T.
Other names: c.1651C>T, p.Arg551Trp (NM_001135999.2); c.-620-6888C>T (NM_001330740.2); short protein forms R551W.
Identifiers: ClinVar variation 1434337 (VCV001434337.7), dbSNP rs766067787, ClinGen allele CA5043698.